The following is an entry in ClinVar:

NM_001161403.3(LIMS2):c.12-6748A>G

Gene: LIMS2 (LIM zinc finger domain containing 2; minus strand). Cytogenetic location: 2q14.3.
Variant type: single nucleotide variant.
Coding change: c.12-6748A>G on transcript NM_001161403.3 (MANE Select); 6748 bases into the intron before coding-DNA position 12, A replaced by G.
Molecular consequence: intron variant. On other transcripts: missense variant (1).
Genome position (GRCh38, 1-based): chr2:127,664,310, T>C on the plus strand (A>G on the coding strand, the complement: LIMS2 is on the minus strand). VCF-style: chr2-127664310-T-C. GRCh37 (hg19) VCF-style: chr2-128421884-T-C.
Other names: c.79A>G, p.Thr27Ala (NM_017980.5); c.-4-6748A>G (NM_001161404.2); c.78-6748A>G (NM_001136037.4); short protein forms T27A.
Identifiers: ClinVar variation 571615 (VCV000571615.8), dbSNP rs968524490, ClinGen allele CA55389810.
Genomic context (GRCh38, chr2:127,664,310, plus strand): 5'-CCGCCGCAGCTTTCCGGCCATTGTCCCCGCCACCCGCCCCGCCCCTGGCCACCTACCCCG[T>C]GGCTGGCGGCGGGCTCTGCCGGTGCTGGCGCCGCCGGTACAGCCCCGACGCGGCCAGCGC-3'

ClinVar aggregate classification (germline): Conflicting classifications of pathogenicity. Review status: criteria provided, conflicting classifications (1 of 4 stars). 2 submissions from 2 submitters: Uncertain significance (1); Likely benign (1). Last evaluated 2025-08-03.

Conditions:
Autosomal recessive limb-girdle muscular dystrophy type 2W (MDRCMTT). Also called: Muscular dystrophy, autosomal recessive, with cardiomyopathy and triangular tongue; Muscular dystrophy, limb-girdle, type 2W. Identifiers: MedGen C4225192, MONDO:0014788, OMIM 616827.

Allele frequency attached by ClinVar (database versions not stated): TOPMed 0.00035; gnomAD 0.00040 and 0.00041; gnomAD exomes 0.00051.
gnomAD v4.1: 602 of 1,233,220 alleles (0.049%); highest among the groups gnomAD compares: Non-Finnish European, 0.059%; no homozygotes.

Submissions (2):

Ambry Genetics
Classification: Likely benign. Last evaluated: 2025-08-03. Review status: criteria provided, single submitter. Criteria: Ambry Variant Classification Scheme 2023. Collection method: clinical testing. Allele origin: germline.

Labcorp Genetics (formerly Invitae), Labcorp
Classification: Uncertain significance for Autosomal recessive limb-girdle muscular dystrophy type 2W. Last evaluated: 2018-02-01. Review status: criteria provided, single submitter. Criteria: Invitae Variant Classification Sherloc (09022015). Collection method: clinical testing. Allele origin: germline.
Comment: In summary, the available evidence is currently insufficient to determine the role of this variant in disease. Therefore, it has been classified as a Variant of Uncertain Significance. Algorithms developed to predict the effect of missense changes on protein structure and function output the following: SIFT: "Tolerated"; PolyPhen-2: "Benign"; Align-GVGD: "Class C0". The alanine amino acid residue is found in multiple mammalian species, suggesting that this missense change does not adversely affect protein function. These predictions have not been confirmed by published functional studies and their clinical significance is uncertain. This variant has not been reported in the literature in individuals with LIMS2-related disease. While this variant is not present in population databases, the frequency information is unreliable, as metrics indicate poor data quality at this position in the ExAC database. This sequence change replaces threonine with alanine at codon 27 of the LIMS2 protein (p.Thr27Ala). The threonine residue is weakly conserved and there is a small physicochemical difference between threonine and alanine.